The following is an entry in ClinVar:

ClinVar aggregate classification (germline): Uncertain significance. Review status: criteria provided, multiple submitters, no conflicts (2 of 4 stars). 2 submissions from 2 submitters: Uncertain significance (2). Last evaluated 2025-11-04.

Submissions (2):

Labcorp Genetics (formerly Invitae), Labcorp
Classification: Uncertain significance. Last evaluated: 2025-11-04. Review status: criteria provided, single submitter. Criteria: Invitae Variant Classification Sherloc (09022015). Collection method: clinical testing. Allele origin: germline.
Comment: This sequence change replaces proline, which is neutral and non-polar, with leucine, which is neutral and non-polar, at codon 1430 of the HUWE1 protein (p.Pro1430Leu). This variant is not present in population databases (gnomAD no frequency). This variant has not been reported in the literature in individuals affected with HUWE1-related conditions. ClinVar contains an entry for this variant (Variation ID: 2757901). Invitae Evidence Modeling of protein sequence and biophysical properties (such as structural, functional, and spatial information, amino acid conservation, physicochemical variation, residue mobility, and thermodynamic stability) has been performed for this missense variant. However, the output from this modeling did not meet the statistical confidence thresholds required to predict the impact of this variant on HUWE1 protein function. In summary, the available evidence is currently insufficient to determine the role of this variant in disease. Therefore, it has been classified as a Variant of Uncertain Significance.

GeneDx
Classification: Uncertain significance. Last evaluated: 2025-07-24. Review status: criteria provided, single submitter. Criteria: GeneDx Variant Classification Process June 2021. Collection method: clinical testing. Allele origin: germline. Affected: yes.
Comment: Not observed at significant frequency in large population cohorts (gnomAD); In silico analysis supports that this missense variant has a deleterious effect on protein structure/function; Has not been previously published as pathogenic or benign to our knowledge

NM_031407.7(HUWE1):c.4289C>T (p.Pro1430Leu)

Gene: HUWE1 (HECT, UBA and WWE domain containing E3 ubiquitin protein ligase 1; minus strand). Cytogenetic location: Xp11.22.
Variant type: single nucleotide variant.
Coding change: c.4289C>T on transcript NM_031407.7 (MANE Select); coding-DNA position 4289, C replaced by T.
Protein change: p.Pro1430Leu; replaces proline 1430 with leucine.
Molecular consequence: missense variant.
Genome position (GRCh38, 1-based): chrX:53,589,719, G>A on the plus strand (C>T on the coding strand, the complement: HUWE1 is on the minus strand). VCF-style: chrX-53589719-G-A. GRCh37 (hg19) VCF-style: chrX-53616679-G-A.
Other names: c.4289C>T (NM_031407.4); short protein forms P1430L.
Identifiers: ClinVar variation 2757901 (VCV002757901.5), dbSNP rs2525910488, ClinGen allele CA413176655.